The following is an entry in ClinVar:

ClinVar aggregate classification (germline): Likely benign (0 of 4 stars; one submission).

Conditions:
MAPK8IP1-related disorder. Also called: MAPK8IP1-related condition.

gnomAD v4.1: 7 of 1,580,848 alleles (0.00044%); highest among the groups gnomAD compares: Middle Eastern, 0.017%; no homozygotes.

Submission:

PreventionGenetics, part of Exact Sciences
Classification: Likely benign for MAPK8IP1-related condition. Last evaluated: 2019-07-10. Review status: no assertion criteria provided. Collection method: clinical testing. Allele origin: germline.
Comment: This variant is classified as likely benign based on ACMG/AMP sequence variant interpretation guidelines (Richards et al. 2015 PMID: 25741868, with internal and published modifications).

NM_005456.4(MAPK8IP1):c.1057C>A (p.Arg353=)

Gene: MAPK8IP1 (mitogen-activated protein kinase 8 interacting protein 1; plus strand). Cytogenetic location: 11p11.2.
Variant type: single nucleotide variant.
Coding change: c.1057C>A on transcript NM_005456.4 (MANE Select); coding-DNA position 1057, C replaced by A.
Protein change: p.Arg353=; no amino-acid change (arginine 353 retained).
Molecular consequence: synonymous variant.
Genome position (GRCh38, 1-based): chr11:45,902,824, C>A. VCF-style: chr11-45902824-C-A. GRCh37 (hg19) VCF-style: chr11-45924375-C-A.
Identifiers: ClinVar variation 3049905 (VCV003049905.2), dbSNP rs746424374, ClinGen allele CA474037991.